The following is an entry in ClinVar:

NM_005534.4(IFNGR2):c.8C>G (p.Pro3Arg)

Genes: IFNGR2 (interferon gamma receptor 2; plus strand), LOC119266102 (IFNGR2 promoter region; plus strand). Cytogenetic location: 21q22.11.
Variant type: single nucleotide variant.
Coding change: c.8C>G on transcript NM_005534.4 (MANE Select); coding-DNA position 8, C replaced by G.
Protein change: p.Pro3Arg; replaces proline 3 with arginine.
Molecular consequence: missense variant.
Genome position (GRCh38, 1-based): chr21:33,403,551, C>G. VCF-style: chr21-33403551-C-G. GRCh37 (hg19) VCF-style: chr21-34775857-C-G.
Other names: c.8C>G, p.Pro3Arg (NM_001329128.2); short protein forms P3R.
Identifiers: ClinVar variation 1496111 (VCV001496111.5), dbSNP rs773084508, ClinGen allele CA10006824.

ClinVar aggregate classification (germline): Uncertain significance (1 of 4 stars; one submission).

Conditions:
Immunodeficiency 28 (IMD28). Also called: IFNGR2 DEFICIENCY. Identifiers: Orphanet 319547, Orphanet 319574, MedGen C4013947, MONDO:0013953, OMIM 614889.

Allele frequency attached by ClinVar (database versions not stated): gnomAD 0.00001; gnomAD exomes 0.00001 and 0.00007; ExAC 0.00020.
gnomAD v4.1: 10 of 1,329,646 alleles (0.00075%); highest among the groups gnomAD compares: South Asian, 0.013%; no homozygotes.

Submission:

Labcorp Genetics (formerly Invitae), Labcorp
Classification: Uncertain significance for Immunodeficiency 28. Last evaluated: 2022-07-26. Review status: criteria provided, single submitter. Criteria: Invitae Variant Classification Sherloc (09022015). Collection method: clinical testing. Allele origin: germline.
Comment: This sequence change replaces proline, which is neutral and non-polar, with arginine, which is basic and polar, at codon 3 of the IFNGR2 protein (p.Pro3Arg). This variant is present in population databases (rs773084508, gnomAD 0.03%). This variant has not been reported in the literature in individuals affected with IFNGR2-related conditions. ClinVar contains an entry for this variant (Variation ID: 1496111). Algorithms developed to predict the effect of missense changes on protein structure and function are either unavailable or do not agree on the potential impact of this missense change (SIFT: "Deleterious"; PolyPhen-2: "Not Available"; Align-GVGD: "Class C0"). In summary, the available evidence is currently insufficient to determine the role of this variant in disease. Therefore, it has been classified as a Variant of Uncertain Significance.